The following is an entry in ClinVar:

NM_021072.4(HCN1):c.2600T>C (p.Leu867Pro)

Gene: HCN1 (hyperpolarization activated cyclic nucleotide gated potassium channel 1; minus strand). Cytogenetic location: 5p12.
Variant type: single nucleotide variant.
Coding change: c.2600T>C on transcript NM_021072.4 (MANE Select); coding-DNA position 2600, T replaced by C.
Protein change: p.Leu867Pro; replaces leucine 867 with proline.
Molecular consequence: missense variant.
Genome position (GRCh38, 1-based): chr5:45,261,994, A>G on the plus strand (T>C on the coding strand, the complement: HCN1 is on the minus strand). VCF-style: chr5-45261994-A-G. GRCh37 (hg19) VCF-style: chr5-45262096-A-G.
Other names: short protein forms L867P.
Identifiers: ClinVar variation 4057025 (VCV004057025.2).

ClinVar aggregate classification (germline): Uncertain significance (1 of 4 stars; one submission).

Submission:

GeneDx
Classification: Uncertain significance. Last evaluated: 2026-09-07. Review status: criteria provided, single submitter. Criteria: GeneDx Variant Classification Process June 2021. Collection method: clinical testing. Allele origin: germline.
Comment: Not observed at significant frequency in large population cohorts (gnomAD); In silico analysis indicates that this missense variant does not alter protein structure/function; Has not been previously published as pathogenic or benign to our knowledge